The following is an entry in ClinVar:

ClinVar aggregate classification (germline): Uncertain significance (1 of 4 stars; one submission).

Allele frequency attached by ClinVar (database versions not stated): TOPMed 0.00002; gnomAD 0.00007; gnomAD exomes 0.00009; ExAC 0.00021.
gnomAD v4.1: 140 of 1,611,978 alleles (0.0087%); highest among the groups gnomAD compares: South Asian, 0.15%; 2 homozygotes.

Submission:

Labcorp Genetics (formerly Invitae), Labcorp
Classification: Uncertain significance. Last evaluated: 2023-02-25. Review status: criteria provided, single submitter. Criteria: Invitae Variant Classification Sherloc (09022015). Collection method: clinical testing. Allele origin: germline.
Comment: In summary, the available evidence is currently insufficient to determine the role of this variant in disease. Therefore, it has been classified as a Variant of Uncertain Significance. Advanced modeling of protein sequence and biophysical properties (such as structural, functional, and spatial information, amino acid conservation, physicochemical variation, residue mobility, and thermodynamic stability) performed at Invitae indicates that this missense variant is not expected to disrupt MCM5 protein function. This variant has not been reported in the literature in individuals affected with MCM5-related conditions. This variant is present in population databases (rs376124769, gnomAD 0.1%), and has an allele count higher than expected for a pathogenic variant. This sequence change replaces threonine, which is neutral and polar, with serine, which is neutral and polar, at codon 178 of the MCM5 protein (p.Thr178Ser).

NM_006739.4(MCM5):c.532A>T (p.Thr178Ser)

Gene: MCM5 (minichromosome maintenance complex component 5; plus strand). Cytogenetic location: 22q12.3.
Variant type: single nucleotide variant.
Coding change: c.532A>T on transcript NM_006739.4 (MANE Select); coding-DNA position 532, A replaced by T.
Protein change: p.Thr178Ser; replaces threonine 178 with serine.
Molecular consequence: missense variant.
Genome position (GRCh38, 1-based): chr22:35,406,661, A>T. VCF-style: chr22-35406661-A-T. GRCh37 (hg19) VCF-style: chr22-35802654-A-T.
Other names: short protein forms T178S.
Identifiers: ClinVar variation 2990518 (VCV002990518.3), dbSNP rs376124769, ClinGen allele CA10205063.
Genomic context (GRCh38, chr22:35,406,661, plus strand): 5'-GCCTCTGCGGTCCGTGCCAAGGCCACCCGCATCTCTATCCAGTGCCGCAGCTGCCGCAAC[A>T]CCCTCACCAACATTGCCATGCGCCCTGGCCTCGAGGGCTATGCCCTGCCCAGGAAGTGCA-3'
Protein context (NP_006730.2, residues 168-188): ISIQCRSCRN[Thr178Ser]LTNIAMRPGL